The following is an entry in ClinVar:

ClinVar aggregate classification (germline): Uncertain significance (1 of 4 stars; one submission).

Submission:

Labcorp Genetics (formerly Invitae), Labcorp
Classification: Uncertain significance. Last evaluated: 2025-11-18. Review status: criteria provided, single submitter. Criteria: Invitae Variant Classification Sherloc (09022015). Collection method: clinical testing. Allele origin: germline.
Comment: This sequence change replaces arginine, which is basic and polar, with tryptophan, which is neutral and slightly polar, at codon 997 of the JAK1 protein (p.Arg997Trp). This variant is not present in population databases (gnomAD no frequency). This variant has not been reported in the literature in individuals affected with JAK1-related conditions. Invitae Evidence Modeling of protein sequence and biophysical properties (such as structural, functional, and spatial information, amino acid conservation, physicochemical variation, residue mobility, and thermodynamic stability) indicates that this missense variant is expected to disrupt JAK1 protein function with a positive predictive value of 80%. In summary, the available evidence is currently insufficient to determine the role of this variant in disease. Therefore, it has been classified as a Variant of Uncertain Significance.

NM_002227.4(JAK1):c.2989C>T (p.Arg997Trp)

Gene: JAK1 (Janus kinase 1; minus strand). Cytogenetic location: 1p31.3.
Variant type: single nucleotide variant.
Coding change: c.2989C>T on transcript NM_002227.4 (MANE Select); coding-DNA position 2989, C replaced by T.
Protein change: p.Arg997Trp; replaces arginine 997 with tryptophan.
Molecular consequence: missense variant.
Genome position (GRCh38, 1-based): chr1:64,838,083, G>A on the plus strand (C>T on the coding strand, the complement: JAK1 is on the minus strand). VCF-style: chr1-64838083-G-A. GRCh37 (hg19) VCF-style: chr1-65303766-G-A.
Other names: c.2989C>T, p.Arg997Trp (NM_001320923.2, NM_001321852.2, NM_001321853.2 and 3 more transcripts); c.2986C>T, p.Arg996Trp (NM_001321857.2); short protein forms R996W, R997W.
Identifiers: ClinVar variation 4804022 (VCV004804022.1).